The following is an entry in ClinVar:

NM_001276345.2(TNNT2):c.890G>A (p.Trp297Ter)

Gene: TNNT2 (troponin T2, cardiac type; minus strand). Cytogenetic location: 1q32.1.
Variant type: single nucleotide variant.
Coding change: c.890G>A on transcript NM_001276345.2 (MANE Select); coding-DNA position 890, G replaced by A.
Protein change: p.Trp297Ter; replaces tryptophan 297 with a stop codon.
Molecular consequence: nonsense.
Genome position (GRCh38, 1-based): chr1:201,359,217, C>T on the plus strand (G>A on the coding strand, the complement: TNNT2 is on the minus strand). VCF-style: chr1-201359217-C-T. GRCh37 (hg19) VCF-style: chr1-201328345-C-T.
Other names: p.W287*:TGG>TAG; c.881G>A, p.Trp294Ter (NM_000364.4); c.860G>A, p.Trp287Ter (NM_001001430.3, NM_001276347.2); c.851G>A, p.Trp284Ter (NM_001001431.3); c.842G>A, p.Trp281Ter (NM_001001432.3); c.761G>A, p.Trp254Ter (NM_001276346.2); short protein forms W287*, W294*, W281*, W284*, W254*, W297*.
Identifiers: ClinVar variation 177636 (VCV000177636.40), dbSNP rs727504247, ClinGen allele CA005312.

ClinVar aggregate classification (germline): Likely pathogenic. Review status: reviewed by expert panel (3 of 4 stars). 20 submissions from 18 submitters: Likely pathogenic (1). 19 of the submissions do not count toward it. Last evaluated 2025-11-14.

Conditions:
Cardiomyopathy (CMYO). Also called: Cardiomyopathies. Identifiers: Orphanet 167848, MedGen C0878544, MONDO:0004994, HP:0001638. Inheritance: Various modes of inheritance.
TNNT2-related disorder. Also called: TNNT2-related condition.
Cardiovascular phenotype. Identifiers: MedGen CN230736.
Dilated cardiomyopathy 1D. Identifiers: Orphanet 154, Orphanet 54260, MedGen C1832243, MONDO:0011095, OMIM 601494.
Hypertrophic cardiomyopathy 2. Also called: TNNT2-Related Familial Hypertrophic Cardiomyopathy. Identifiers: MedGen C1861864, MONDO:0007266, OMIM 115195.
Cardiomyopathy, familial restrictive, 3. Identifiers: Orphanet 75249, MedGen C2676271, MONDO:0012900, OMIM 612422.
Hypertrophic cardiomyopathy. Also called: HYPERTROPHIC MYOCARDIOPATHY. Identifiers: Orphanet 217569, MedGen C0007194, MeSH D002312, MONDO:0005045, HP:0001639.

Allele frequency attached by ClinVar (database versions not stated): gnomAD exomes below 0.00001; TOPMed below 0.00001; ExAC 0.00001; gnomAD 0.00001.
gnomAD v4.1: 7 of 1,610,032 alleles (0.00043%); highest among the groups gnomAD compares: Admixed American, 0.0017%; no homozygotes.

Submissions 1 to 8 of 20:

ClinGen Cardiomyopathy Variant Curation Expert Panel
Classification: Likely pathogenic for Hypertrophic cardiomyopathy. Last evaluated: 2025-11-14. Review status: reviewed by expert panel. Criteria: ClinGen CMP ACMG Specifications TNNT2 V1.0.0. Collection method: curation. Allele origin: germline. Inheritance: Autosomal dominant inheritance.
Comment: NM_001276345.2(TNNT2):c.890G>A (p.Trp297Ter). This variant has been reported in individuals with HCM (LMM data, Richard 2003 PMID: 12707239, Gandjbakhch 2010 PMID: 25575096, Brito 2012 PMID: 22857948, Lopes 2013 PMID: 23396983, Bales 2016 PMID: 26936621, Walsh 2017 PMID: 27532257, Mademont-Soler 2017 PMID: 28771489, Ho 2018 PMID: 30297972) and has been identified in been identified in 1 out of 242296 (0.002% FAF 95% CI) of global pan-ethnic chromosomes in gnomAD (PM2_Supporting; v.2.1). This variant is statistically increased in individuals with HCM compared to controls [OR lower 95% CI >10]. Therefore, PS4_Moderate criterion has been applied. This variant segregated with disease in 7 affected relatives from 6 families (PP1_Strong; Richard 2003 PMID: 12707239, Gandjbakhch 2010 PMID: 20439259, Brito 2012 PMID: 22857948, D. Brito pers comm, GeneDx pers comm; LMM data). This nonsense variant leads to a premature termination codon at position 297. This alteration occurs within the terminal 50 bases of the last exon and is therefore likely to escape nonsense mediated decay (NMD) and result in a truncated protein that is missing 2 amino acids (PM4). In summary, this variant meets criteria to be classified as likely pathogenic for hypertrophic cardiomyopathy in an autosomal dominant manner based on PS4_Moderate, PM2_Supporting, PP1_Strong and PM4.

Labcorp Genetics (formerly Invitae), Labcorp
Classification: Pathogenic for Cardiomyopathy, familial restrictive, 3; Hypertrophic cardiomyopathy 2; Dilated cardiomyopathy 1D. Last evaluated: 2026-01-18. Review status: criteria provided, single submitter. Criteria: Invitae Variant Classification Sherloc (09022015). Collection method: clinical testing. Allele origin: germline. Not counted in ClinVar's aggregate classification.
Comment: This sequence change creates a premature translational stop signal (p.Trp287*) in the TNNT2 gene. While this is not anticipated to result in nonsense mediated decay, it is expected to disrupt the last 2 amino acid(s) of the TNNT2 protein. The frequency data for this variant in the population databases is considered unreliable, as metrics indicate poor data quality at this position in the gnomAD database. This premature translational stop signal has been observed in individuals with hypertrophic cardiomyopathy (PMID: 12707239, 20439259, 22857948, 23396983). It has also been observed to segregate with disease in related individuals. ClinVar contains an entry for this variant (Variation ID: 177636). Algorithms developed to predict the effect of sequence changes on RNA splicing suggest that this variant may disrupt the consensus splice site. For these reasons, this variant has been classified as Pathogenic.

GeneDx
Classification: Likely pathogenic. Last evaluated: 2025-10-13. Review status: criteria provided, single submitter. Criteria: GeneDx Variant Classification Process June 2021. Collection method: clinical testing. Allele origin: germline. Affected: yes. Not counted in ClinVar's aggregate classification.
Comment: Reported to segregate with disease in two families, but no details were provided (PMID: 22857948); Identified in an infant with multiple congenital anomalies (MCA) including two-vessel cord, ventriculomegaly, a complex cardiac defect, left-right asymmetry, and dysmorphic features; this variant was maternally inherited but no clinical information was reported for the mother (PMID: 31780822); Limited functional studies using human induced pluripotent stem cell-derived cardiomyocytes suggest that this variant impacts protein function; however additional studies are needed to validate the functional effect of this variant in vivo (PMID: 33025817); Nonsense variant predicted to result in protein truncation in a gene or region of a gene for which loss of function is not a well-established mechanism of disease; Not observed at significant frequency in large population cohorts (gnomAD); This variant is associated with the following publications: (PMID: 12707239, 27532257, 20439259, 23396983, 25351510, 26936621, 20031601, 30297972, 30975432, 33025817, 22857948, 31780822, 37652022, 36264615)

Dasa
Classification: Likely pathogenic. Last evaluated: 2025-10-07. Review status: criteria provided, single submitter. Criteria: DASA Assertion Criteria. Collection method: clinical testing. Allele origin: germline. Not counted in ClinVar's aggregate classification.
Comment: NM_001276345.2(TNNT2):c.890G>A (p.Trp297Ter) is a nonsense variant in TNNT2 predicted to introduce a premature termination codon. This variant has been recurrently observed in individuals with TNNT2-related disorders (PMID: 20439259; PMID: 22857948). Segregation data support an association with disease in the reported family/families (PMID: 20439259; PMID: 22857948). Functional evidence supports an impact on the gene or gene product. Also, this variant is rare in population databases. Based on the currently available evidence, this variant is classified as likely pathogenic.

Molecular Diagnostic Laboratory for Inherited Cardiovascular Disease, Montreal Heart Institute
Classification: Pathogenic for Cardiovascular phenotype. Last evaluated: 2025-02-21. Review status: criteria provided, single submitter. Criteria: ACMG Guidelines, 2015. Collection method: clinical testing. Allele origin: germline. Affected: yes. Not counted in ClinVar's aggregate classification.
Comment: PS4;PP1_strong;PVS1_mod;PM2;PP5

Ambry Genetics
Classification: Likely pathogenic for Cardiovascular phenotype. Last evaluated: 2024-12-10. Review status: criteria provided, single submitter. Criteria: Ambry Variant Classification Scheme 2023. Collection method: clinical testing. Allele origin: germline. Not counted in ClinVar's aggregate classification.
Comment: The p.W287* variant (also known as c.860G>A), located in coding exon 15 of the TNNT2 gene, results from a G to A substitution at nucleotide position 860. This changes the amino acid from a tryptophan to a stop codon within coding exon 15. This alteration has been detected in multiple hypertrophic cardiomyopathy (HCM) cohorts and has been reported to segregate with disease, but segregation details were limited (Richard P et al. Circulation, 2003 May;107:2227-32; Brito D et al. Rev Port Cardiol, 2012 Sep;31:577-87; Lopes LR et al. J. Med. Genet., 2013 Apr;50:228-39; Bales ND et al. Pediatr Cardiol, 2016 Jun;37:845-51; Walsh R et al. Genet. Med., 2017 02;19:192-203). This allele was reported in one heterozygous individual in population-based cohorts in the Genome Aggregation Database (gnomAD). Although premature stop codons are typically deleterious in nature, loss of function of TNNT2 has not been clearly established as a mechanism of disease. This stop codon, however, occurs at the 3' terminus of TNNT2, is not expected to trigger nonsense-mediated mRNA decay, and removes only the last 2 amino acids of the protein. The exact functional impact of these removed amino acids is unknown at this time. Based on the majority of available evidence to date, this variant is likely to be pathogenic.

All of Us Research Program, National Institutes of Health
Classification: Likely pathogenic for Hypertrophic cardiomyopathy. Last evaluated: 2024-09-27. Review status: criteria provided, single submitter. Criteria: ACMG Guidelines, 2015. Collection method: clinical testing. Allele origin: germline. Inheritance: Autosomal dominant inheritance. Observed: 1 variant allele, 1 heterozygote. Not counted in ClinVar's aggregate classification.
Comment: The c.860G>A variant in the TNNT2 gene (NM_001001430.3) is located on the last exon 16 and introduces a premature translation termination codon at 287 (p.Trp287*). The variant is located in the last exon and is not expected to result in nonsense-mediated mRNA decay. This variant has been reported in multiple individuals with hypertrophic cardiomyopathy and segregated with disease in multiple individuals from three families (PMID: 12707239, 20439259, 22857948, 23396983). This variant has been classified as pathogenic/likely pathogenic by multiple submitters in ClinVar (ID: 177636). The variant is rare (7/1610032 chromosomes) in the general population according to gnomAD (4.1.0). Therefore, this variant has been classified as likely pathogenic.

This study involves interpretation of variants in research participants for the purpose of population health screening. Participant phenotype was not available at the time of variant classification. Additional details can be found in publication PMID: 35346344, PMCID: PMC8962531

Blueprint Genetics
Classification: Pathogenic for TNNT2-related disorders. Last evaluated: 2024-08-08. Review status: criteria provided, single submitter. Criteria: ACMG Guidelines, 2015. Collection method: clinical testing. Allele origin: germline. Affected: yes. Observed: 5 variant alleles. Not counted in ClinVar's aggregate classification.